The following is an entry in ClinVar:

ClinVar aggregate classification (germline): Benign/Likely benign. Review status: criteria provided, multiple submitters, no conflicts (2 of 4 stars). 5 submissions from 5 submitters: Benign (2); Likely benign (3). Last evaluated 2026-01-18.

Conditions:
Dehydrated hereditary stomatocytosis with or without pseudohyperkalemia and/or perinatal edema (DHS1). Also called: Dehydrated hereditary stomatocytosis 1 with or without pseudohyperkalemia and/or perinatal edema; PSEUDOHYPERKALEMIA EDINBURGH; DEHYDRATED HEREDITARY STOMATOCYTOSIS AND PSEUDOHYPERKALEMIA; DEHYDRATED HEREDITARY STOMATOCYTOSIS WITH PSEUDOHYPERKALEMIA AND PERINATAL EDEMA; Pseudohyperkalemia, familial, 1, due to red cell leak. Identifiers: Orphanet 3202, MedGen C4551512, MONDO:0008689, OMIM 194380.
Lymphatic malformation 6 (LMPHM6). Also called: GENERALIZED LYMPHATIC DYSPLASIA OF FOTIOU; Lymphedema, hereditary, III; PIEZO1-related generalized lymphatic dysplasia with non-immune hydrops fetalis. Identifiers: Orphanet 568062, MedGen C4225184, MONDO:0014797, OMIM 616843.

Allele frequency attached by ClinVar (database versions not stated): gnomAD 0.00731; TOPMed 0.00827; 1000 Genomes Project 30x 0.00843; 1000 Genomes Project 0.00859; ESP Exome Variant Server 0.01140.
gnomAD v4.1: 2,053 of 1,544,694 alleles (0.13%); highest among the groups gnomAD compares: African/African-American, 2.5%; 27 homozygotes.

Submissions (5):

Labcorp Genetics (formerly Invitae), Labcorp
Classification: Benign. Last evaluated: 2026-01-18. Review status: criteria provided, single submitter. Criteria: Invitae Variant Classification Sherloc (09022015). Collection method: clinical testing. Allele origin: germline.

Mayo Clinic Laboratories, Mayo Clinic
Classification: Likely benign. Last evaluated: 2025-11-04. Review status: criteria provided, single submitter. Criteria: ACMG Guidelines, 2015. Collection method: clinical testing. Allele origin: germline. Observed: 32 variant alleles.
Comment: BS2, BP4

ARUP Laboratories, Molecular Genetics and Genomics, ARUP Laboratories
Classification: Benign. Last evaluated: 2025-05-22. Review status: criteria provided, single submitter. Criteria: ARUP Molecular Germline Variant Investigation Process 2024. Collection method: clinical testing. Allele origin: germline.

Fulgent Genetics
Classification: Likely benign for Dehydrated hereditary stomatocytosis with or without pseudohyperkalemia and/or perinatal edema; Lymphatic malformation 6. Last evaluated: 2021-09-27. Review status: criteria provided, single submitter. Criteria: ACMG Guidelines, 2015. Collection method: clinical testing. Allele origin: unknown.

Breakthrough Genomics
Classification: Likely benign. Review status: criteria provided, single submitter. Criteria: ACMG Guidelines, 2015. Collection method: not provided. Allele origin: germline. Inheritance: Autosomal recessive inheritance. Affected: yes.

NM_001142864.4(PIEZO1):c.5552C>T (p.Thr1851Met)

Gene: PIEZO1 (piezo type mechanosensitive ion channel component 1 (Er blood group); minus strand). Cytogenetic location: 16q24.3.
Variant type: single nucleotide variant.
Coding change: c.5552C>T on transcript NM_001142864.4 (MANE Select); coding-DNA position 5552, C replaced by T.
Protein change: p.Thr1851Met; replaces threonine 1851 with methionine.
Molecular consequence: missense variant.
Genome position (GRCh38, 1-based): chr16:88,721,282, G>A on the plus strand (C>T on the coding strand, the complement: PIEZO1 is on the minus strand). VCF-style: chr16-88721282-G-A. GRCh37 (hg19) VCF-style: chr16-88787690-G-A.
Other names: c.5552C>T, p.Thr1851Met (LRG_1137t1); short protein forms T1851M.
Identifiers: ClinVar variation 618281 (VCV000618281.24), dbSNP rs34370460, ClinGen allele CA8231850.